The following is an entry in ClinVar:

ClinVar aggregate classification (germline): Uncertain significance (1 of 4 stars; one submission).

gnomAD v4.1: 7 of 1,614,014 alleles (0.00043%); highest among the groups gnomAD compares: East Asian, 0.0022%; no homozygotes.

Submission:

GeneDx
Classification: Uncertain significance. Last evaluated: 2023-08-22. Review status: criteria provided, single submitter. Criteria: GeneDx Variant Classification Process June 2021. Collection method: clinical testing. Allele origin: germline. Affected: yes.
Comment: Not observed at significant frequency in large population cohorts (gnomAD); Missense variants in this gene are often considered pathogenic (HGMD); In silico analysis supports that this missense variant does not alter protein structure/function; Has not been previously published as pathogenic or benign to our knowledge; This variant is associated with the following publications: (PMID: 29493581)

NM_002880.4(RAF1):c.1697C>T (p.Ala566Val)

Gene: RAF1 (Raf-1 proto-oncogene, serine/threonine kinase; minus strand). Cytogenetic location: 3p25.2.
Variant type: single nucleotide variant.
Coding change: c.1697C>T on transcript NM_002880.4 (MANE Select); coding-DNA position 1697, C replaced by T.
Protein change: p.Ala566Val; replaces alanine 566 with valine.
Molecular consequence: missense variant. On other transcripts: non-coding transcript variant (3).
Genome position (GRCh38, 1-based): chr3:12,584,953, G>A on the plus strand (C>T on the coding strand, the complement: RAF1 is on the minus strand). VCF-style: chr3-12584953-G-A. GRCh37 (hg19) VCF-style: chr3-12626452-G-A.
Other names: c.1757C>T, p.Ala586Val (NM_001354689.3); c.1697C>T, p.Ala566Val (NM_001354690.3); c.1454C>T, p.Ala485Val (NM_001354691.3, NM_001354692.3); c.1598C>T, p.Ala533Val (NM_001354693.3); c.1514C>T, p.Ala505Val (NM_001354694.3); c.1355C>T, p.Ala452Val (NM_001354695.3); short protein forms A452V, A485V, A505V, A533V, A566V, A586V.
Identifiers: ClinVar variation 3338710 (VCV003338710.1).